The following is an entry in ClinVar:

NM_017950.4(CCDC40):c.901C>T (p.Arg301Ter)

Gene: CCDC40 (coiled-coil domain 40 molecular ruler complex subunit; plus strand). Cytogenetic location: 17q25.3.
Variant type: single nucleotide variant.
Coding change: c.901C>T on transcript NM_017950.4 (MANE Select); coding-DNA position 901, C replaced by T.
Protein change: p.Arg301Ter; replaces arginine 301 with a stop codon.
Molecular consequence: nonsense.
Genome position (GRCh38, 1-based): chr17:80,049,951, C>T. VCF-style: chr17-80049951-C-T. GRCh37 (hg19) VCF-style: chr17-78023750-C-T.
Other names: c.901C>T, p.Arg301Ter (NM_001243342.2, NM_001330508.2); short protein forms R301*.
Identifiers: ClinVar variation 1368509 (VCV001368509.8), dbSNP rs201223986, ClinGen allele CA8813609.

ClinVar aggregate classification (germline): Pathogenic/Likely pathogenic. Review status: criteria provided, multiple submitters, no conflicts (2 of 4 stars). 3 submissions from 3 submitters: Pathogenic (2); Likely pathogenic (1). Last evaluated 2025-10-07.

Conditions:
CCDC40-related disorder. Also called: CCDC40-related condition.
Primary ciliary dyskinesia 15. Also called: CILIARY DYSKINESIA, PRIMARY, 15, WITH OR WITHOUT SITUS INVERSUS. Identifiers: Orphanet 244, MedGen C3151137, MONDO:0013435, OMIM 613808.
Primary ciliary dyskinesia. Also called: Ciliary dyskinesia. Identifiers: Orphanet 244, MedGen C0008780, MONDO:0016575, HP:0012265.

Allele frequency attached by ClinVar (database versions not stated): gnomAD 0.00001; gnomAD exomes 0.00001; ExAC 0.00002; TOPMed 0.00002; ESP Exome Variant Server 0.00008.
gnomAD v4.1: 13 of 1,613,992 alleles (0.00081%); highest among the groups gnomAD compares: Middle Eastern, 0.016%; no homozygotes.

Submissions (3):

Variantyx, Inc.
Classification: Pathogenic for Primary ciliary dyskinesia 15. Last evaluated: 2025-10-07. Review status: criteria provided, single submitter. Criteria: Variantyx Assertion Criteria 2022. Collection method: clinical testing. Allele origin: germline. Inheritance: Autosomal recessive inheritance. Affected: no.
Comment: This is a nonsense variant in the CCDC40 gene (OMIM: 613799). Pathogenic variants in this gene have been associated with autosomal recessive primary ciliary dyskinesia 15. This variant introduces a premature termination codon in exon 6 out of 20 and is expected to result in loss of function, which is a known disease mechanism for CCDC40 in this disorder (PMID: 32502479, 34134972, 35449766) (PVS1). The alteration has been identified in compound heterozygous state in at least 3 affected individuals reported in the published literature (PMID: 34134972, 35449766, 32502479) (PM3). The maximum allele frequency in non-founder control populations is 0.0022% (PM2). Based on the current evidence, this variant is classified as pathogenic for autosomal recessive primary ciliary dyskinesia 15.

Labcorp Genetics (formerly Invitae), Labcorp
Classification: Pathogenic for Primary ciliary dyskinesia. Last evaluated: 2022-09-12. Review status: criteria provided, single submitter. Criteria: Invitae Variant Classification Sherloc (09022015). Collection method: clinical testing. Allele origin: germline.
Comment: For these reasons, this variant has been classified as Pathogenic. ClinVar contains an entry for this variant (Variation ID: 1368509). This premature translational stop signal has been observed in individual(s) with primary ciliary dyskinesia (PMID: 32502479). This variant is present in population databases (rs201223986, gnomAD 0.003%). This sequence change creates a premature translational stop signal (p.Arg301*) in the CCDC40 gene. It is expected to result in an absent or disrupted protein product. Loss-of-function variants in CCDC40 are known to be pathogenic (PMID: 21131974, 22693285, 23255504).

Blueprint Genetics
Classification: Likely pathogenic for CCDC40-related disorders. Last evaluated: 2021-11-25. Review status: criteria provided, single submitter. Criteria: ACMG Guidelines, 2015. Collection method: clinical testing. Allele origin: germline. Affected: yes. Observed: 3 variant alleles.

Literature cited by the submitters: PubMed 32502479 (cited by Variantyx, Inc. and Labcorp Genetics (formerly Invitae), Labcorp); PubMed 34134972 (cited by Variantyx, Inc.); PubMed 35449766 (cited by Variantyx, Inc.); PubMed 21131974 (cited by Labcorp Genetics (formerly Invitae), Labcorp); PubMed 22693285 (cited by Labcorp Genetics (formerly Invitae), Labcorp); PubMed 23255504 (cited by Labcorp Genetics (formerly Invitae), Labcorp).